The following is an entry in ClinVar:

ClinVar aggregate classification (germline): Uncertain significance (1 of 4 stars; one submission).

Conditions:
ADRA2A-related disorder. Also called: ADRA2A-related condition.

Allele frequency attached by ClinVar (database versions not stated): TOPMed 0.00006; gnomAD exomes 0.00011; gnomAD 0.00018; 1000 Genomes Project 0.00080; 1000 Genomes Project 30x 0.00094.

Submission:

PreventionGenetics, part of Exact Sciences
Classification: Uncertain significance for ADRA2A-related condition. Last evaluated: 2023-07-18. Review status: criteria provided, single submitter. Criteria: ACMG Guidelines, 2015. Collection method: clinical testing. Allele origin: germline.
Comment: The ADRA2A c.796A>G variant is predicted to result in the amino acid substitution p.Asn266Asp. To our knowledge, this variant has not been reported in the literature. This variant is reported in 0.23% of alleles in individuals of South Asian descent (2 of 856 alleles), although it is less common in or absent from other populations in gnomAD. At this time, the clinical significance of this variant is uncertain due to the absence of conclusive functional and genetic evidence.

NM_000681.4(ADRA2A):c.796A>G (p.Asn266Asp)

Gene: ADRA2A (adrenoceptor alpha 2A; plus strand). Cytogenetic location: 10q25.2.
Variant type: single nucleotide variant.
Coding change: c.796A>G on transcript NM_000681.4 (MANE Select); coding-DNA position 796, A replaced by G.
Protein change: p.Asn266Asp; replaces asparagine 266 with aspartic acid.
Molecular consequence: missense variant.
Genome position (GRCh38, 1-based): chr10:111,078,792, A>G. VCF-style: chr10-111078792-A-G. GRCh37 (hg19) VCF-style: chr10-112838550-A-G.
Other names: short protein forms N266D.
Identifiers: ClinVar variation 2636029 (VCV002636029.1), dbSNP rs566589780, ClinGen allele CA5689998.